The following is an entry in ClinVar:

ClinVar aggregate classification (germline): Uncertain significance (1 of 4 stars; one submission).

Conditions:
Hereditary cancer-predisposing syndrome. Also called: Neoplastic Syndromes, Hereditary; Tumor predisposition; Hereditary Cancer Syndrome; Hereditary neoplastic syndrome. Identifiers: Orphanet 140162, MedGen C0027672, MeSH D009386, MONDO:0015356.

Submission:

Ambry Genetics
Classification: Uncertain significance for Hereditary cancer-predisposing syndrome. Last evaluated: 2026-05-17. Review status: criteria provided, single submitter. Criteria: Ambry Variant Classification Scheme 2023. Collection method: clinical testing. Allele origin: germline.
Comment: The p.P653T variant (also known as c.1957C>A), located in coding exon 7 of the AXIN2 gene, results from a C to A substitution at nucleotide position 1957. The proline at codon 653 is replaced by threonine, an amino acid with highly similar properties. This amino acid position is conserved. In addition, this alteration is predicted to be tolerated by in silico analysis. Based on the available evidence, the clinical significance of this variant remains unclear.

NM_004655.4(AXIN2):c.1957C>A (p.Pro653Thr)

Gene: AXIN2 (axin 2; minus strand). Cytogenetic location: 17q24.1.
Variant type: single nucleotide variant.
Coding change: c.1957C>A on transcript NM_004655.4 (MANE Select); coding-DNA position 1957, C replaced by A.
Protein change: p.Pro653Thr; replaces proline 653 with threonine.
Molecular consequence: missense variant.
Genome position (GRCh38, 1-based): chr17:65,536,504, G>T on the plus strand (C>A on the coding strand, the complement: AXIN2 is on the minus strand). VCF-style: chr17-65536504-G-T. GRCh37 (hg19) VCF-style: chr17-63532622-G-T.
Other names: c.1762C>A, p.Pro588Thr (NM_001363813.1); short protein forms P588T, P653T.
Identifiers: ClinVar variation 4867313 (VCV004867313.1).